The following is an entry in ClinVar:

NM_000204.5(CFI):c.1683A>C (p.Lys561Asn)

Gene: CFI (complement factor I; minus strand). Cytogenetic location: 4q25.
Variant type: single nucleotide variant.
Coding change: c.1683A>C on transcript NM_000204.5 (MANE Select); coding-DNA position 1683, A replaced by C.
Protein change: p.Lys561Asn; replaces lysine 561 with asparagine.
Molecular consequence: missense variant. On other transcripts: non-coding transcript variant (3), intron variant (5).
Genome position (GRCh38, 1-based): chr4:109,740,962, T>G on the plus strand (A>C on the coding strand, the complement: CFI is on the minus strand). VCF-style: chr4-109740962-T-G. GRCh37 (hg19) VCF-style: chr4-110662118-T-G.
Other names: c.1707A>C, p.Lys569Asn (NM_001318057.2); c.1662A>C, p.Lys554Asn (NM_001331035.2); c.1626A>C, p.Lys542Asn (NM_001375283.1); c.1074A>C, p.Lys358Asn (NM_001375284.1); c.1513+1529A>C (NM_001375282.1, NM_001375280.1); c.1534+1529A>C (NM_001375281.1, NM_001375279.1); c.1558+1529A>C (NM_001375278.1); short protein forms K358N, K542N, K554N, K561N, K569N.
Identifiers: ClinVar variation 2664223 (VCV002664223.1), dbSNP rs2545357550, ClinGen allele CA357854324.

ClinVar aggregate classification (germline): Uncertain significance (1 of 4 stars; one submission).

Conditions:
Atypical hemolytic-uremic syndrome with I factor anomaly. Also called: HEMOLYTIC UREMIC SYNDROME, ATYPICAL, SUSCEPTIBILITY TO, 3; AHUS, SUSCEPTIBILITY TO, 3. Identifiers: Orphanet 2134, MedGen C2752039, MONDO:0013041, OMIM 612923.

Submission:

Neuberg Centre For Genomic Medicine, NCGM
Classification: Uncertain significance for Atypical hemolytic-uremic syndrome with I factor anomaly. Review status: criteria provided, single submitter. Criteria: ACMG Guidelines, 2015. Collection method: clinical testing. Allele origin: germline. Inheritance: Autosomal dominant inheritance. Affected: yes.
Comment: The missense c.1683A>C(p.Lys561Asn) variant in CFI gene has not been reported previously as a pathogenic variant nor as a benign variant, to our knowledge. The p.Lys561Asn variant is novel (not in any individuals) in gnomAD Exomes and 1000 Genomes. This variant has not been reported to the ClinVar database. The amino acid change p.Lys561Asn in CFI is predicted as conserved by GERP++ and PhyloP across 100 vertebrates. The amino acid Lys at position 561 is changed to a Asn changing protein sequence and it might alter its composition and physico-chemical properties. For these reasons, this variant has been classified as Variant of Uncertain Significance (VUS).